The following is an entry in ClinVar:

ClinVar aggregate classification (germline): Pathogenic (1 of 4 stars; one submission).

Conditions:
X-linked Alport syndrome (ATS1). Also called: NEPHROPATHY AND DEAFNESS, X-LINKED; COL4A5-Related Nephropathy. Identifiers: Orphanet 63, Orphanet 88917, MedGen C4746986, MONDO:0010520, OMIM 301050.

Submission:

Myriad Genetics, Inc.
Classification: Pathogenic for X-linked Alport syndrome. Last evaluated: 2023-09-27. Review status: criteria provided, single submitter. Criteria: Myriad Autosomal Dominant, Autosomal Recessive and X-Linked Classification Criteria (2023). Collection method: clinical testing. Allele origin: unknown.
Comment: NM_000495.4(COL4A5):c.3021dupC(K1008Qfs*3) is expected to be pathogenic in the context of X-linked Alport syndrome. This variant is predicted to lead to an abnormal or absent protein product due to the creation of a premature termination codon in COL4A5, a gene where loss-of-function variants are known to be pathogenic. Please note: this variant was assessed in the context of healthy population screening.

NM_033380.3(COL4A5):c.3021dup (p.Lys1008fs)

Gene: COL4A5 (collagen type IV alpha 5 chain; plus strand). Cytogenetic location: Xq22.3.
Variant type: Duplication.
Coding change: c.3021dup on transcript NM_033380.3 (MANE Select); coding-DNA position 3021, one base duplicated (C; older notation c.3021dupC).
Protein change: p.Lys1008fs; shifts the reading frame from lysine 1008.
Molecular consequence: frameshift variant.
Genome position (GRCh38, 1-based): chrX:108,625,709, C duplicated; the last of 3 consecutive C bases (chrX:108,625,707-108,625,709); duplicating any one gives the same sequence. VCF-style (leftmost placement, unchanged base first): chrX-108625706-T-TC. GRCh37 (hg19) VCF-style: chrX-107868936-T-TC.
Other names: c.3021dup, p.Lys1008fs (NM_000495.5); short protein forms K1008fs.
Identifiers: ClinVar variation 5012256 (VCV005012256.1).
Genomic context (GRCh38, chrX:108,625,706, plus strand): 5'-AAACCAGACAACCCCAATATTGCTACATTGTCTTAATTTTACCAATTTGACCTTTCTAGG[T>TC]CCCAAAGGTAACCCTGGTCTCCCTGGACAGCCAGGTCTTATAGGACCTCCTGGACTTAAA-3'